The following is an entry in ClinVar:

ClinVar aggregate classification (germline): Pathogenic (1 of 4 stars; one submission).

Submission:

Labcorp Genetics (formerly Invitae), Labcorp
Classification: Pathogenic. Last evaluated: 2020-12-27. Review status: criteria provided, single submitter. Criteria: Invitae Variant Classification Sherloc (09022015). Collection method: clinical testing. Allele origin: germline.
Comment: For these reasons, this variant has been classified as Pathogenic. This variant has not been reported in the literature in individuals with FOXP1-related conditions. This variant is not present in population databases (ExAC no frequency). This sequence change creates a premature translational stop signal (p.Ser422Leufs*52) in the FOXP1 gene. It is expected to result in an absent or disrupted protein product. Loss-of-function variants in FOXP1 are known to be pathogenic (PMID: 28735298).

Literature cited by the submitters: PubMed 28735298.

NM_001349338.3(FOXP1):c.1264del (p.Ser422fs)

Gene: FOXP1 (forkhead box P1; minus strand). Cytogenetic location: 3p13.
Variant type: Deletion.
Coding change: c.1264del on transcript NM_001349338.3 (MANE Select); coding-DNA position 1264, one base deleted (T; older notation c.1264delT).
Protein change: p.Ser422fs; shifts the reading frame from serine 422.
Molecular consequence: frameshift variant. On other transcripts: non-coding transcript variant (2).
Genome position (GRCh38, 1-based): chr3:70,977,912, A deleted on the plus strand (T on the coding strand, the reverse complement: FOXP1 is on the minus strand). VCF-style (leftmost placement, unchanged base first): chr3-70977911-GA-G. GRCh37 (hg19) VCF-style: chr3-71027062-GA-G.
Other names: c.1264del, p.Ser422fs (NM_001244808.3, NM_001244810.2, NM_001244814.3 and 3 more transcripts); c.1036del, p.Ser346fs (NM_001244812.3); c.964del, p.Ser322fs (NM_001244813.3, NM_001244815.2, NM_001349342.3 and 1 more transcripts); c.961del, p.Ser321fs (NM_001349337.2, NM_001349343.3, NM_001349344.3); c.1261del, p.Ser421fs (NM_001349341.3); short protein forms S322fs, S321fs, S346fs, S421fs, S422fs.
Identifiers: ClinVar variation 1453357 (VCV001453357.6), dbSNP rs2107316329, ClinGen allele CA2573137431.